The following is an entry in ClinVar:

ClinVar aggregate classification (germline): Likely pathogenic (1 of 4 stars; one submission).

Conditions:
Neurodevelopmental disorder with hypotonia, brain anomalies, distinctive facies, and absent language. Also called: RNU4-2-Related Neurodevelopmental Disorder; RNU4-2–Related Autosomal Dominant Neurodevelopmental Disorder; ReNU SYNDROME. Identifiers: Orphanet 686488, MedGen C5935628, MONDO:0971172, OMIM 620851.

Submission:

Institute for Human Genetics, University Hospital Essen
Classification: Likely pathogenic for Neurodevelopmental disorder with hypotonia, brain anomalies, distinctive facies, and absent language. Last evaluated: 2005-03-05. Review status: criteria provided, single submitter. Criteria: ACMG Guidelines, 2015. Collection method: clinical testing. Allele origin: de novo. Inheritance: Autosomal dominant inheritance. Affected: yes.
Comment: PM2_supp, PS2, PM1

NR_003137.3(RNU4-2):n.77_78insG

Genes: RNU4-2 (RNA, U4 small nuclear 2; minus strand), SIRT4 (sirtuin 4; plus strand). Cytogenetic location: 12q24.23.
Variant type: Insertion.
Molecular consequence: non-coding transcript variant (on NR_003137.3).
Genome position: GRCh38 VCF-style: chr12-120291826-T-TC. GRCh37 (hg19) VCF-style: chr12-120729629-T-TC.
Identifiers: ClinVar variation 3766427 (VCV003766427.1).